The following is an entry in ClinVar:

ClinVar aggregate classification (germline): Pathogenic (1 of 4 stars; one submission).

Submission:

GeneDx
Classification: Pathogenic. Last evaluated: 2022-05-12. Review status: criteria provided, single submitter. Criteria: GeneDx Variant Classification Process June 2021. Collection method: clinical testing. Allele origin: germline. Affected: yes.
Comment: Reported in an individual with ectopia lentis and aortic root dilation (Li et al., 2019); Deletions involving coding exons of this gene are a known mechanism of disease (HGMD); Not observed at significant frequency in large population cohorts (gnomAD); Canonical splice site variant expected to result in aberrant splicing, although in the absence of functional evidence the actual effect of this sequence change is unknown.; This variant is associated with the following publications: (PMID: 27906200, 31098894)

NM_000138.5(FBN1):c.6314-2A>G

Gene: FBN1 (fibrillin 1; minus strand). Cytogenetic location: 15q21.1.
Variant type: single nucleotide variant.
Coding change: c.6314-2A>G on transcript NM_000138.5 (MANE Select); the canonical splice acceptor site of the intron before coding-DNA position 6314, A replaced by G.
Molecular consequence: splice acceptor variant.
Genome position (GRCh38, 1-based): chr15:48,437,389, T>C on the plus strand (A>G on the coding strand, the complement: FBN1 is on the minus strand). VCF-style: chr15-48437389-T-C. GRCh37 (hg19) VCF-style: chr15-48729586-T-C.
Other names: c.6314-2A>G (NM_001406716.1).
Identifiers: ClinVar variation 1723747 (VCV001723747.2), dbSNP rs2141240964, ClinGen allele CA392336877.